The following is an entry in ClinVar:

ClinVar aggregate classification (germline): Conflicting classifications of pathogenicity. Review status: criteria provided, conflicting classifications (1 of 4 stars). 4 submissions from 4 submitters: Uncertain significance (3); Benign (1). Last evaluated 2026-03-05.

Conditions:
Hereditary cancer-predisposing syndrome. Also called: Hereditary Cancer Syndrome; Tumor predisposition; Neoplastic Syndromes, Hereditary; Hereditary neoplastic syndrome. Identifiers: Orphanet 140162, MedGen C0027672, MeSH D009386, MONDO:0015356.
Birt-Hogg-Dube syndrome. Also called: Birt Hogg Dubé syndrome. Identifiers: Orphanet 122, MedGen C0346010, MONDO:0800444.
Birt-Hogg-Dube syndrome 1 (BHD1). Also called: FIBROFOLLICULOMAS WITH TRICHODISCOMAS AND ACROCHORDONS. Identifiers: Orphanet 122, MedGen CN375946, MONDO:0800445, OMIM 135150.

Allele frequency attached by ClinVar (database versions not stated): gnomAD exomes below 0.00001; ExAC 0.00001.
gnomAD v4.1: 14 of 1,613,672 alleles (0.00087%); highest among the groups gnomAD compares: Non-Finnish European, 0.0011%; no homozygotes.

Submissions (4):

Ambry Genetics
Classification: Benign for Hereditary cancer-predisposing syndrome. Last evaluated: 2026-03-05. Review status: criteria provided, single submitter. Criteria: Ambry Variant Classification Scheme 2023. Collection method: clinical testing. Allele origin: germline.

Labcorp Genetics (formerly Invitae), Labcorp
Classification: Uncertain significance for Birt-Hogg-Dube syndrome. Last evaluated: 2025-01-17. Review status: criteria provided, single submitter. Criteria: Invitae Variant Classification Sherloc (09022015). Collection method: clinical testing. Allele origin: germline.
Comment: This sequence change replaces valine, which is neutral and non-polar, with isoleucine, which is neutral and non-polar, at codon 384 of the FLCN protein (p.Val384Ile). This variant is present in population databases (rs779913370, gnomAD 0.0009%). This variant has not been reported in the literature in individuals affected with FLCN-related conditions. ClinVar contains an entry for this variant (Variation ID: 840448). Invitae Evidence Modeling of protein sequence and biophysical properties (such as structural, functional, and spatial information, amino acid conservation, physicochemical variation, residue mobility, and thermodynamic stability) indicates that this missense variant is not expected to disrupt FLCN protein function with a negative predictive value of 80%. In summary, the available evidence is currently insufficient to determine the role of this variant in disease. Therefore, it has been classified as a Variant of Uncertain Significance.

Baylor Genetics
Classification: Uncertain significance for Birt-Hogg-Dube syndrome 1. Last evaluated: 2023-11-26. Review status: criteria provided, single submitter. Criteria: ACMG Guidelines, 2015. Collection method: clinical testing. Allele origin: unknown.

GeneDx
Classification: Uncertain significance. Last evaluated: 2023-11-06. Review status: criteria provided, single submitter. Criteria: GeneDx Variant Classification Process June 2021. Collection method: clinical testing. Allele origin: germline. Affected: yes.
Comment: Not observed at significant frequency in large population cohorts (gnomAD); In silico analysis supports that this missense variant does not alter protein structure/function; Has not been previously published as pathogenic or benign to our knowledge; This variant is associated with the following publications: (PMID: 17028174)

NM_144997.7(FLCN):c.1150G>A (p.Val384Ile)

Gene: FLCN (folliculin; minus strand). Cytogenetic location: 17p11.2.
Variant type: single nucleotide variant.
Coding change: c.1150G>A on transcript NM_144997.7 (MANE Select); coding-DNA position 1150, G replaced by A.
Protein change: p.Val384Ile; replaces valine 384 with isoleucine.
Molecular consequence: missense variant.
Genome position (GRCh38, 1-based): chr17:17,217,095, C>T on the plus strand (G>A on the coding strand, the complement: FLCN is on the minus strand). VCF-style: chr17-17217095-C-T. GRCh37 (hg19) VCF-style: chr17-17120409-C-T.
Other names: c.1204G>A, p.Val402Ile (NM_001353229.2); c.1150G>A, p.Val384Ile (NM_001353230.2, NM_001353231.2); short protein forms V384I, V402I.
Identifiers: ClinVar variation 840448 (VCV000840448.11), dbSNP rs779913370, ClinGen allele CA8416132.
Genomic context (GRCh38, chr17:17,217,095, plus strand): 5'-CTGCGCCGCACACCTAAGGAAAAGATGTTCTCACCCGAAGTACTTCAAAAGCTGACTGGA[C>T]GAGGTCCACGTCTCTGCTTTTCCAGATCACCTGGTTCCCCATGAGAACGTGCCAGGCCAG-3'
Protein context (NP_659434.2, residues 374-394): VIWKSRDVDL[Val384Ile]QSAFEVLRTM